The following is an entry in ClinVar:

NM_015559.3(SETBP1):c.880A>T (p.Ser294Cys)

Gene: SETBP1 (SET binding protein 1; plus strand). Cytogenetic location: 18q12.3.
Variant type: single nucleotide variant.
Coding change: c.880A>T on transcript NM_015559.3 (MANE Select); coding-DNA position 880, A replaced by T.
Protein change: p.Ser294Cys; replaces serine 294 with cysteine.
Molecular consequence: missense variant.
Genome position (GRCh38, 1-based): chr18:44,950,220, A>T. VCF-style: chr18-44950220-A-T. GRCh37 (hg19) VCF-style: chr18-42530185-A-T.
Other names: c.880A>T, p.Ser294Cys (NM_001379141.1, NM_001379142.1, NM_001410862.1); short protein forms S294C.
Identifiers: ClinVar variation 4739197 (VCV004739197.1).
Genomic context (GRCh38, chr18:44,950,220, plus strand): 5'-TGGAGTCAGTTGTCTAACAATAACAAAGATCTGCTCTTGGGAGGTGTGGCTCCATCCCCA[A>T]GCAGCCACAGCTCACCAGCCCCACCCAGCAGCTCTGCTGAGTGCAACGGGCTTCAGCCCT-3'
Protein context (NP_056374.2, residues 284-304): LLLGGVAPSP[Ser294Cys]SHSSPAPPSS

ClinVar aggregate classification (germline): Uncertain significance (1 of 4 stars; one submission).

Submission:

Labcorp Genetics (formerly Invitae), Labcorp
Classification: Uncertain significance. Last evaluated: 2025-11-27. Review status: criteria provided, single submitter. Criteria: Invitae Variant Classification Sherloc (09022015). Collection method: clinical testing. Allele origin: germline.
Comment: This sequence change replaces serine, which is neutral and polar, with cysteine, which is neutral and slightly polar, at codon 294 of the SETBP1 protein (p.Ser294Cys). This variant is not present in population databases (gnomAD no frequency). This variant has not been reported in the literature in individuals affected with SETBP1-related conditions. Invitae Evidence Modeling of protein sequence and biophysical properties (such as structural, functional, and spatial information, amino acid conservation, physicochemical variation, residue mobility, and thermodynamic stability) indicates that this missense variant is not expected to disrupt SETBP1 protein function with a negative predictive value of 80%. In summary, the available evidence is currently insufficient to determine the role of this variant in disease. Therefore, it has been classified as a Variant of Uncertain Significance.